The following is an entry in ClinVar:

NM_002878.4(RAD51D):c.523del (p.Ile175fs)

Genes: RAD51D (RAD51 paralog D; minus strand), RAD51L3-RFFL (RAD51L3-RFFL readthrough; minus strand). Cytogenetic location: 17q12.
Variant type: Deletion.
Coding change: c.523del on transcript NM_002878.4 (MANE Select); coding-DNA position 523, one base deleted (A; older notation c.523delA).
Protein change: p.Ile175fs; shifts the reading frame from isoleucine 175.
Molecular consequence: frameshift variant. On other transcripts: non-coding transcript variant (3).
Genome position (GRCh38, 1-based): chr17:35,106,439, T deleted on the plus strand (A on the coding strand, the reverse complement: RAD51D is on the minus strand). VCF-style (leftmost placement, unchanged base first): chr17-35106438-AT-A. GRCh37 (hg19) VCF-style: chr17-33433457-AT-A.
Other names: c.583del, p.Ile195fs (NM_001142571.2); c.187del, p.Ile63fs (NM_133629.3); short protein forms I175fs, I63fs, I195fs.
Identifiers: ClinVar variation 2031772 (VCV002031772.6), dbSNP rs2509135407, ClinGen allele CA2580093485.

ClinVar aggregate classification (germline): Pathogenic. Review status: criteria provided, multiple submitters, no conflicts (2 of 4 stars). 3 submissions from 3 submitters: Pathogenic (3). Last evaluated 2026-02-10.

Conditions:
Hereditary cancer-predisposing syndrome. Also called: Neoplastic Syndromes, Hereditary; Tumor predisposition; Hereditary Cancer Syndrome; Hereditary neoplastic syndrome. Identifiers: Orphanet 140162, MedGen C0027672, MeSH D009386, MONDO:0015356.
Breast-ovarian cancer, familial, susceptibility to, 4. Identifiers: Orphanet 145, MedGen C3280345, MONDO:0013669, OMIM 614291.

Allele frequency attached by ClinVar (database versions not stated): gnomAD exomes below 0.00001.

Submissions (3):

Ambry Genetics
Classification: Pathogenic for Hereditary cancer-predisposing syndrome. Last evaluated: 2026-02-10. Review status: criteria provided, single submitter. Criteria: Ambry Variant Classification Scheme 2023. Collection method: clinical testing. Allele origin: germline.
Comment: The c.523delA pathogenic mutation, located in coding exon 6 of the RAD51D gene, results from a deletion of one nucleotide at nucleotide position 523, causing a translational frameshift with a predicted alternate stop codon (p.I175Sfs*19). This variant is considered to be rare based on population cohorts in the Genome Aggregation Database (gnomAD). This alteration is expected to result in loss of function by premature protein truncation or nonsense-mediated mRNA decay. As such, this alteration is interpreted as a disease-causing mutation.

Myriad Genetics, Inc.
Classification: Pathogenic for Breast-ovarian cancer, familial, susceptibility to, 4. Last evaluated: 2024-01-04. Review status: criteria provided, single submitter. Criteria: Myriad Autosomal Dominant, Autosomal Recessive and X-Linked Classification Criteria (2023). Collection method: clinical testing. Allele origin: unknown.
Comment: This variant is considered pathogenic. This variant creates a frameshift predicted to result in premature protein truncation.

Labcorp Genetics (formerly Invitae), Labcorp
Classification: Pathogenic for Breast-ovarian cancer, familial, susceptibility to, 4. Last evaluated: 2022-09-22. Review status: criteria provided, single submitter. Criteria: Invitae Variant Classification Sherloc (09022015). Collection method: clinical testing. Allele origin: germline.
Comment: This sequence change creates a premature translational stop signal (p.Ile175Serfs*19) in the RAD51D gene. It is expected to result in an absent or disrupted protein product. Loss-of-function variants in RAD51D are known to be pathogenic (PMID: 21822267). This variant is not present in population databases (gnomAD no frequency). For these reasons, this variant has been classified as Pathogenic. This variant has not been reported in the literature in individuals affected with RAD51D-related conditions.

Literature cited by the submitters: PubMed 21822267 (cited by Labcorp Genetics (formerly Invitae), Labcorp).